The following is an entry in ClinVar:

ClinVar aggregate classification (germline): Benign/Likely benign. Review status: criteria provided, multiple submitters, no conflicts (2 of 4 stars). 9 submissions from 9 submitters: Benign (2); Likely benign (7). Last evaluated 2026-01-13.

Conditions:
Classic or attenuated familial adenomatous polyposis. Identifiers: MedGen CN372698, MONDO:0021057.
Hereditary cancer-predisposing syndrome. Also called: Neoplastic Syndromes, Hereditary; Hereditary Cancer Syndrome; Tumor predisposition; Hereditary neoplastic syndrome. Identifiers: Orphanet 140162, MedGen C0027672, MeSH D009386, MONDO:0015356.
Familial adenomatous polyposis 1 (FAP1). Also called: POLYPOSIS, ADENOMATOUS INTESTINAL; FAMILIAL ADENOMATOUS POLYPOSIS 1, ATTENUATED. Identifiers: MedGen C2713442, MONDO:0021056, OMIM 175100. Disease mechanism: loss of function.

Allele frequency attached by ClinVar (database versions not stated): ExAC 0.00001; gnomAD exomes 0.00001 and 0.00005; gnomAD 0.00004; TOPMed 0.00004.
gnomAD v4.1: 27 of 1,613,282 alleles (0.0017%); highest among the groups gnomAD compares: East Asian, 0.022%; no homozygotes.

Submissions (9):

Labcorp Genetics (formerly Invitae), Labcorp
Classification: Likely benign for Familial adenomatous polyposis 1. Last evaluated: 2026-01-13. Review status: criteria provided, single submitter. Criteria: Invitae Variant Classification Sherloc (09022015). Collection method: clinical testing. Allele origin: germline.

CeGaT Center for Human Genetics Tuebingen
Classification: Likely benign. Last evaluated: 2024-10-01. Review status: criteria provided, single submitter. Criteria: CeGaT Center For Human Genetics Tuebingen Variant Classification Criteria Version 2. Collection method: clinical testing. Allele origin: germline. Affected: yes. Observed: 1 variant allele.
Comment: APC: BP4, BP7

Myriad Genetics, Inc.
Classification: Benign for Familial adenomatous polyposis 1. Last evaluated: 2024-04-08. Review status: criteria provided, single submitter. Criteria: Myriad Autosomal Dominant, Autosomal Recessive and X-Linked Classification Criteria (2023). Collection method: clinical testing. Allele origin: unknown.
Comment: This variant is considered benign. This variant is a silent/synonymous amino acid change and it is not expected to impact splicing.

All of Us Research Program, National Institutes of Health
Classification: Likely benign for Classic or attenuated familial adenomatous polyposis. Last evaluated: 2023-12-18. Review status: criteria provided, single submitter. Criteria: ACMG Guidelines, 2015. Collection method: clinical testing. Allele origin: germline. Inheritance: Autosomal dominant inheritance. Observed: 7 variant alleles, 7 heterozygotes.
Comment: This study involves interpretation of variants in research participants for the purpose of population health screening. Participant phenotype was not available at the time of variant classification. Additional details can be found in publication PMID: 35346344, PMCID: PMC8962531

Blueprint Genetics
Classification: Likely benign. Last evaluated: 2023-05-24. Review status: criteria provided, single submitter. Criteria: ACMG Guidelines, 2015. Collection method: clinical testing. Allele origin: germline.

GeneDx
Classification: Likely benign. Last evaluated: 2019-04-04. Review status: criteria provided, single submitter. Criteria: GeneDx Variant Classification Process June 2021. Collection method: clinical testing. Allele origin: germline. Affected: yes.

Women's Health and Genetics/Laboratory Corporation of America, LabCorp
Classification: Benign. Last evaluated: 2018-05-11. Review status: criteria provided, single submitter. Criteria: LabCorp Variant Classification Summary - May 2015. Collection method: clinical testing. Allele origin: germline.
Comment: Variant summary: APC c.7095A>G alters a non-conserved nucleotide resulting in a synonymous change. 5/5 computational tools predict no significant impact on normal splicing. However, these predictions have yet to be confirmed by functional studies. The observed variant frequency within East Asian control individuals in the gnomAD database is approximately 7.28 fold of the estimated maximal expected allele frequency for a pathogenic variant in APC causing Familial Adenomatous Polyposis phenotype (7.1e-05), strongly suggesting that the variant is a benign polymorphism found primarily in populations of East Asian origin. To our knowledge, no occurrence of c.7095A>G in individuals affected with Familial Adenomatous Polyposis and no experimental evidence demonstrating its impact on protein function have been reported. Four clinical diagnostic laboratories have submitted clinical-significance assessments for this variant to ClinVar after 2014 without evidence for independent evaluation. All laboratories classified the variant as benign/likely benign. Based on the evidence outlined above, the variant was classified as benign.

Color Diagnostics, LLC DBA Color Health
Classification: Likely benign for Hereditary cancer-predisposing syndrome. Last evaluated: 2016-12-20. Review status: criteria provided, single submitter. Criteria: ACMG Guidelines, 2015. Collection method: clinical testing. Allele origin: germline.

Ambry Genetics
Classification: Likely benign for Hereditary cancer-predisposing syndrome. Last evaluated: 2015-01-06. Review status: criteria provided, single submitter. Criteria: Ambry Variant Classification Scheme 2023. Collection method: clinical testing. Allele origin: germline.

NM_000038.6(APC):c.7095A>G (p.Ser2365=)

Gene: APC (APC regulator of Wnt signaling pathway; plus strand). Cytogenetic location: 5q22.2.
Variant type: single nucleotide variant.
Coding change: c.7095A>G on transcript NM_000038.6 (MANE Select); coding-DNA position 7095, A replaced by G.
Protein change: p.Ser2365=; no amino-acid change (serine 2365 retained).
Molecular consequence: synonymous variant.
Genome position (GRCh38, 1-based): chr5:112,842,689, A>G. VCF-style: chr5-112842689-A-G. GRCh37 (hg19) VCF-style: chr5-112178386-A-G.
Other names: c.7095A>G, p.Ser2365= (NM_001127510.3, NM_001354895.2); c.7041A>G, p.Ser2347= (NM_001127511.3); c.7149A>G, p.Ser2383= (NM_001354896.2); c.7125A>G, p.Ser2375= (NM_001354897.2); c.7020A>G, p.Ser2340= (NM_001354898.2); c.7011A>G, p.Ser2337= (NM_001354899.2); c.6972A>G, p.Ser2324= (NM_001354900.2); c.6918A>G, p.Ser2306= (NM_001354901.2); and 5 more.
Identifiers: ClinVar variation 229832 (VCV000229832.37), dbSNP rs747844776, ClinGen allele CA046884.
Genomic context (GRCh38, chr5:112,842,689, plus strand): 5'-TCCAAGGACATCATCCCCTAGTACTGCTTCAACTAAGTCCTCAGGTTCTGGAAAAATGTC[A>G]TATACATCTCCAGGTAGACAGATGAGCCAACAGAACCTTACCAAACAAACAGGTTTATCC-3'
Protein context (NP_000029.2, residues 2355-2375): STKSSGSGKM[Ser2365=]YTSPGRQMSQ